The following is an entry in ClinVar:

NM_030631.4(SLC25A21):c.340A>G (p.Ile114Val)

Gene: SLC25A21 (solute carrier family 25 member 21; minus strand). Cytogenetic location: 14q13.3.
Variant type: single nucleotide variant.
Coding change: c.340A>G on transcript NM_030631.4 (MANE Select); coding-DNA position 340, A replaced by G.
Protein change: p.Ile114Val; replaces isoleucine 114 with valine.
Molecular consequence: missense variant.
Genome position (GRCh38, 1-based): chr14:36,725,668, T>C on the plus strand (A>G on the coding strand, the complement: SLC25A21 is on the minus strand). VCF-style: chr14-36725668-T-C. GRCh37 (hg19) VCF-style: chr14-37194873-T-C.
Other names: c.340A>G, p.Ile114Val (NM_001171170.2); c.340A>G (NM_030631.3); short protein forms I114V.
Identifiers: ClinVar variation 3013875 (VCV003013875.4), dbSNP rs772009304, ClinGen allele CA7159317.

ClinVar aggregate classification (germline): Uncertain significance. Review status: criteria provided, multiple submitters, no conflicts (2 of 4 stars). 2 submissions from 2 submitters: Uncertain significance (2). Last evaluated 2026-01-19.

Allele frequency attached by ClinVar (database versions not stated): TOPMed 0.00002; ExAC 0.00003; gnomAD 0.00003; gnomAD exomes 0.00004.
gnomAD v4.1: 62 of 1,595,180 alleles (0.0039%); highest among the groups gnomAD compares: East Asian, 0.018%; no homozygotes.

Submissions (2):

Labcorp Genetics (formerly Invitae), Labcorp
Classification: Uncertain significance. Last evaluated: 2026-01-19. Review status: criteria provided, single submitter. Criteria: Invitae Variant Classification Sherloc (09022015). Collection method: clinical testing. Allele origin: germline.
Comment: This sequence change replaces isoleucine, which is neutral and non-polar, with valine, which is neutral and non-polar, at codon 114 of the SLC25A21 protein (p.Ile114Val). This variant is present in population databases (rs772009304, gnomAD 0.05%). This variant has not been reported in the literature in individuals affected with SLC25A21-related conditions. ClinVar contains an entry for this variant (Variation ID: 3013875). Invitae Evidence Modeling of protein sequence and biophysical properties (such as structural, functional, and spatial information, amino acid conservation, physicochemical variation, residue mobility, and thermodynamic stability) indicates that this missense variant is not expected to disrupt SLC25A21 protein function with a negative predictive value of 80%. In summary, the available evidence is currently insufficient to determine the role of this variant in disease. Therefore, it has been classified as a Variant of Uncertain Significance.

Ambry Genetics
Classification: Uncertain significance. Last evaluated: 2025-06-18. Review status: criteria provided, single submitter. Criteria: Ambry Variant Classification Scheme 2023. Collection method: clinical testing. Allele origin: germline.